The following is an entry in ClinVar:

NM_000368.5(TSC1):c.986C>T (p.Thr329Ile)

Gene: TSC1 (TSC complex subunit 1; minus strand). Cytogenetic location: 9q34.13.
Variant type: single nucleotide variant.
Coding change: c.986C>T on transcript NM_000368.5 (MANE Select); coding-DNA position 986, C replaced by T.
Protein change: p.Thr329Ile; replaces threonine 329 with isoleucine.
Molecular consequence: missense variant.
Genome position (GRCh38, 1-based): chr9:132,911,496, G>A on the plus strand (C>T on the coding strand, the complement: TSC1 is on the minus strand). VCF-style: chr9-132911496-G-A. GRCh37 (hg19) VCF-style: chr9-135786883-G-A.
Other names: c.986C>T, p.Thr329Ile (NM_001162426.2, NM_001406592.1, NM_001406593.1 and 16 more transcripts); c.833C>T, p.Thr278Ile (NM_001162427.2, NM_001406610.1, NM_001406611.1 and 2 more transcripts); c.623C>T, p.Thr208Ile (NM_001362177.2, NM_001406617.1, NM_001406618.1 and 10 more transcripts); c.35C>T, p.Thr12Ile (NM_001406626.1, NM_001406627.1, NM_001406628.1); c.-108C>T (NM_001406629.1, NM_001406630.1); short protein forms T278I, T208I, T329I, T12I.
Identifiers: ClinVar variation 1999255 (VCV001999255.5), dbSNP rs2131977104, ClinGen allele CA375368618.

ClinVar aggregate classification (germline): Uncertain significance. Review status: criteria provided, multiple submitters, no conflicts (2 of 4 stars). 2 submissions from 2 submitters: Uncertain significance (2). Last evaluated 2024-10-14.

Conditions:
Hereditary cancer-predisposing syndrome. Also called: Hereditary Cancer Syndrome; Tumor predisposition; Hereditary neoplastic syndrome; Neoplastic Syndromes, Hereditary. Identifiers: Orphanet 140162, MedGen C0027672, MeSH D009386, MONDO:0015356.
Tuberous sclerosis 1 (TSC1). Identifiers: Orphanet 805, MedGen C1854465, MONDO:0008612, OMIM 191100.

Allele frequency attached by ClinVar (database versions not stated): gnomAD exomes below 0.00001.
gnomAD v4.1: 1 of 1,613,988 alleles (0.000062%); highest among the groups gnomAD compares: Non-Finnish European, 0.000085%; no homozygotes.

Submissions (2):

Ambry Genetics
Classification: Uncertain significance for Hereditary cancer-predisposing syndrome. Last evaluated: 2024-10-14. Review status: criteria provided, single submitter. Criteria: Ambry Variant Classification Scheme 2023. Collection method: clinical testing. Allele origin: germline.
Comment: The p.T329I variant (also known as c.986C>T), located in coding exon 8 of the TSC1 gene, results from a C to T substitution at nucleotide position 986. The threonine at codon 329 is replaced by isoleucine, an amino acid with similar properties. This amino acid position is conserved. In addition, this alteration is predicted to be tolerated by in silico analysis. Based on the available evidence, the clinical significance of this variant remains unclear.

Labcorp Genetics (formerly Invitae), Labcorp
Classification: Uncertain significance for Tuberous sclerosis 1. Last evaluated: 2024-06-21. Review status: criteria provided, single submitter. Criteria: Invitae Variant Classification Sherloc (09022015). Collection method: clinical testing. Allele origin: germline.
Comment: This sequence change replaces threonine, which is neutral and polar, with isoleucine, which is neutral and non-polar, at codon 329 of the TSC1 protein (p.Thr329Ile). This variant is not present in population databases (gnomAD no frequency). This variant has not been reported in the literature in individuals affected with TSC1-related conditions. ClinVar contains an entry for this variant (Variation ID: 1999255). Advanced modeling of protein sequence and biophysical properties (such as structural, functional, and spatial information, amino acid conservation, physicochemical variation, residue mobility, and thermodynamic stability) performed at Invitae indicates that this missense variant is not expected to disrupt TSC1 protein function with a negative predictive value of 95%. In summary, the available evidence is currently insufficient to determine the role of this variant in disease. Therefore, it has been classified as a Variant of Uncertain Significance.